The following is an entry in ClinVar:

NM_001291867.2(NHS):c.333GGC[7] (p.Ala117dup)

Gene: NHS (NHS actin remodeling regulator; plus strand). Cytogenetic location: Xp22.2.
Variant type: Microsatellite.
Coding change: c.333GGC[7] on transcript NM_001291867.2 (MANE Select); seven copies in a row of the 3-base unit GGC starting at c.333; the reference has six copies in a row; one copy, 3 bases duplicated.
Protein change: p.Ala117dup; duplicates alanine 117.
Molecular consequence: inframe insertion.
Genome position (GRCh38, 1-based): chrX:17,376,105-17,376,107, GGC duplicated; duplicating any 3 consecutive bases within chrX:17,376,089-17,376,107 gives the same sequence; the position shown is the placement nearest the transcript's 3' end. VCF-style (leftmost placement, unchanged base first): chrX-17376088-T-TCGG. GRCh37 (hg19) VCF-style: chrX-17394211-T-TCGG.
Other names: c.333GGC[7], p.Ala117dup (NM_198270.4).
Identifiers: ClinVar variation 588878 (VCV000588878.39), dbSNP rs587780401, ClinGen allele CA10358433.
Genomic context (GRCh38, chrX:17,376,088, plus strand): 5'-GCTGGCGAGGAGAGCACGGCGGGGATCCCGGAGGCGGCGCCCGCAGCCGGCGAGGCGTCC[T>TCGG]CGGCGGCGGCGGCGGCGGCCGTGCTGCTCATGCTGGACCTATGCGCGGTCAGCAACGCCG-3'

ClinVar aggregate classification (germline): Likely benign. Review status: criteria provided, multiple submitters, no conflicts (2 of 4 stars). 5 submissions from 5 submitters: Likely benign (4). 1 of the submissions does not count toward it. Last evaluated 2025-12-18.

Conditions:
NHS-related disorder. Also called: NHS-related condition.
Inborn genetic diseases. Identifiers: MedGen C0950123, MeSH D030342.
Nance-Horan syndrome (NHS). Identifiers: Orphanet 627, MedGen C0796085, MONDO:0010545, OMIM 302350.

Submissions (5):

Labcorp Genetics (formerly Invitae), Labcorp
Classification: Likely benign for Nance-Horan syndrome. Last evaluated: 2025-12-18. Review status: criteria provided, single submitter. Criteria: Invitae Variant Classification Sherloc (09022015). Collection method: clinical testing. Allele origin: germline.

CeGaT Center for Human Genetics Tuebingen
Classification: Likely benign. Last evaluated: 2025-09-01. Review status: criteria provided, single submitter. Criteria: CeGaT Center For Human Genetics Tuebingen Variant Classification Criteria Version 2. Collection method: clinical testing. Allele origin: germline. Affected: yes. Observed: 2 variant alleles.
Comment: NHS: BS2

Blueprint Genetics
Classification: Likely benign. Last evaluated: 2023-02-07. Review status: criteria provided, single submitter. Criteria: ACMG Guidelines, 2015. Collection method: clinical testing. Allele origin: germline.

Ambry Genetics
Classification: Likely benign for Inborn genetic diseases. Last evaluated: 2017-03-28. Review status: criteria provided, single submitter. Criteria: Ambry Variant Classification Scheme 2023. Collection method: clinical testing. Allele origin: germline.

PreventionGenetics, part of Exact Sciences
Classification: Likely benign for NHS-related condition. Last evaluated: 2023-03-14. Review status: no assertion criteria provided. Collection method: clinical testing. Allele origin: germline. Not counted in ClinVar's aggregate classification.
Comment: This variant is classified as likely benign based on ACMG/AMP sequence variant interpretation guidelines (Richards et al. 2015 PMID: 25741868, with internal and published modifications).